The following is an entry in ClinVar:

NM_016151.4(TAOK2):c.1480G>C (p.Gly494Arg)

Gene: TAOK2 (TAO kinase 2; plus strand). Cytogenetic location: 16p11.2.
Variant type: single nucleotide variant.
Coding change: c.1480G>C on transcript NM_016151.4 (MANE Select); coding-DNA position 1480, G replaced by C.
Protein change: p.Gly494Arg; replaces glycine 494 with arginine.
Molecular consequence: missense variant.
Genome position (GRCh38, 1-based): chr16:29,985,270, G>C. VCF-style: chr16-29985270-G-C. GRCh37 (hg19) VCF-style: chr16-29996591-G-C.
Other names: c.1480G>C, p.Gly494Arg (NM_001252043.2, NM_004783.4); short protein forms G494R.
Identifiers: ClinVar variation 3698657 (VCV003698657.2).

ClinVar aggregate classification (germline): Uncertain significance (1 of 4 stars; one submission).

gnomAD v4.1: 1 of 1,571,976 alleles (0.000064%); highest among the groups gnomAD compares: Middle Eastern, 0.017%; no homozygotes.

Submission:

Labcorp Genetics (formerly Invitae), Labcorp
Classification: Uncertain significance. Last evaluated: 2024-10-22. Review status: criteria provided, single submitter. Criteria: Invitae Variant Classification Sherloc (09022015). Collection method: clinical testing. Allele origin: germline.
Comment: This sequence change replaces glycine, which is neutral and non-polar, with arginine, which is basic and polar, at codon 494 of the TAOK2 protein (p.Gly494Arg). This variant is not present in population databases (gnomAD no frequency). This variant has not been reported in the literature in individuals affected with TAOK2-related conditions. An algorithm developed to predict the effect of missense changes on protein structure and function (PolyPhen-2) suggests that this variant is likely to be disruptive. In summary, the available evidence is currently insufficient to determine the role of this variant in disease. Therefore, it has been classified as a Variant of Uncertain Significance.